The following is an entry in ClinVar:

NM_024577.4(SH3TC2):c.*13645C>T

Gene: SH3TC2 (SH3 domain and tetratricopeptide repeats 2; minus strand). Cytogenetic location: 5q32.
Variant type: single nucleotide variant.
Coding change: c.*13645C>T on transcript NM_024577.4 (MANE Select); 13645 bases downstream of the stop codon, C replaced by T.
Molecular consequence: 3 prime UTR variant.
Genome position (GRCh38, 1-based): chr5:148,991,066, G>A on the plus strand (C>T on the coding strand, the complement: SH3TC2 is on the minus strand). VCF-style: chr5-148991066-G-A. GRCh37 (hg19) VCF-style: chr5-148370629-G-A.
Identifiers: ClinVar variation 905739 (VCV000905739.4), dbSNP rs180704051, ClinGen allele CA128987674.

ClinVar aggregate classification (germline): Likely benign. Review status: criteria provided, single submitter (1 of 4 stars). 2 submissions from 1 submitter: Likely benign (2). Last evaluated 2018-01-12.

Conditions:
Susceptibility to mononeuropathy of the median nerve, mild. Also called: CARPAL TUNNEL SYNDROME, SUSCEPTIBILITY TO. Identifiers: MedGen C3150596, MONDO:0013237, OMIM 613353.
Charcot-Marie-Tooth disease type 4C (CMT4C). Also called: CHARCOT-MARIE-TOOTH DISEASE, DEMYELINATING, TYPE 4C; SH3TC2-Related Hereditary Motor and Sensory Neuropathy; Charcot-Marie-Tooth Neuropathy Type 4C (CMT4C); CHARCOT-MARIE-TOOTH DISEASE, DEMYELINATING, AUTOSOMAL RECESSIVE, TYPE 4C; CMT 4C. Identifiers: Orphanet 99949, MedGen C1866636, MONDO:0011113, OMIM 601596.

Allele frequency attached by ClinVar (database versions not stated): 1000 Genomes Project 30x 0.00078; 1000 Genomes Project 0.00080; gnomAD 0.00131 and 0.00133; TOPMed 0.00137.
gnomAD v4.1: 196 of 152,162 alleles (0.13%); highest among the groups gnomAD compares: Admixed American, 0.24%; no homozygotes.

Submissions (2):

Illumina Laboratory Services, Illumina
Classification: Likely benign for Charcot-Marie-Tooth disease type 4C. Last evaluated: 2018-01-12. Review status: criteria provided, single submitter. Criteria: ICSL Variant Classification Criteria 13 December 2019. Collection method: clinical testing. Allele origin: germline.
Comment: This variant was observed in the ICSL laboratory as part of a predisposition screen in an ostensibly healthy population. It had not been previously curated by ICSL or reported in the Human Gene Mutation Database (HGMD: prior to June 1st, 2018), and was therefore a candidate for classification through an automated scoring system. Utilizing variant allele frequency, disease prevalence and penetrance estimates, and inheritance mode, an automated score was calculated to assess if this variant is too frequent to cause the disease. Based on the score and internal cut-off values, a variant classified as likely benign is not then subjected to further curation. The score for this variant resulted in a classification of likely benign for this disease.

Illumina Laboratory Services, Illumina
Classification: Likely benign for Susceptibility to mononeuropathy of the median nerve, mild. Last evaluated: 2018-01-12. Review status: criteria provided, single submitter. Criteria: ICSL Variant Classification Criteria 13 December 2019. Collection method: clinical testing. Allele origin: germline.
Comment: the same text as in the submission from Illumina Laboratory Services, Illumina above.